The following is an entry in ClinVar:

ClinVar aggregate classification (germline): Uncertain significance (1 of 4 stars; one submission).

Conditions:
Inborn genetic diseases. Identifiers: MedGen C0950123, MeSH D030342.

Submission:

Ambry Genetics
Classification: Uncertain significance for Inborn genetic diseases. Last evaluated: 2021-09-20. Review status: criteria provided, single submitter. Criteria: Ambry Variant Classification Scheme 2023. Collection method: clinical testing. Allele origin: germline.
Comment: The p.S270N variant (also known as c.809G>A), located in coding exon 7 of the BUB1B gene, results from a G to A substitution at nucleotide position 809. The serine at codon 270 is replaced by asparagine, an amino acid with highly similar properties. This amino acid position is conserved. In addition, this alteration is predicted to be tolerated by in silico analysis. Since supporting evidence is limited at this time, the clinical significance of this alteration remains unclear.

NM_001211.6(BUB1B):c.809G>A (p.Ser270Asn)

Gene: BUB1B (BUB1 mitotic checkpoint serine/threonine kinase B; plus strand). Cytogenetic location: 15q15.1.
Variant type: single nucleotide variant.
Coding change: c.809G>A on transcript NM_001211.6 (MANE Select); coding-DNA position 809, G replaced by A.
Protein change: p.Ser270Asn; replaces serine 270 with asparagine.
Molecular consequence: missense variant.
Genome position (GRCh38, 1-based): chr15:40,185,222, G>A. VCF-style: chr15-40185222-G-A. GRCh37 (hg19) VCF-style: chr15-40477423-G-A.
Other names: short protein forms S270N.
Identifiers: ClinVar variation 1761982 (VCV001761982.2), dbSNP rs2542535390, ClinGen allele CA391684096.